The following is an entry in ClinVar:

NM_152703.5(SAMD9L):c.1191G>C (p.Lys397Asn)

Gene: SAMD9L (sterile alpha motif domain containing 9 like; minus strand). Cytogenetic location: 7q21.2.
Variant type: single nucleotide variant.
Coding change: c.1191G>C on transcript NM_152703.5 (MANE Select); coding-DNA position 1191, G replaced by C.
Protein change: p.Lys397Asn; replaces lysine 397 with asparagine.
Molecular consequence: missense variant.
Genome position (GRCh38, 1-based): chr7:93,134,781, C>G on the plus strand (G>C on the coding strand, the complement: SAMD9L is on the minus strand). VCF-style: chr7-93134781-C-G. GRCh37 (hg19) VCF-style: chr7-92764094-C-G.
Other names: c.1191G>C, p.Lys397Asn (NM_001303496.3, NM_001303497.3, NM_001303498.3 and 5 more transcripts); short protein forms K397N.
Identifiers: ClinVar variation 3792366 (VCV003792366.1).

ClinVar aggregate classification (germline): Uncertain significance (1 of 4 stars; one submission).

Conditions:
Inborn genetic diseases. Identifiers: MedGen C0950123, MeSH D030342.

gnomAD v4.1: 1 of 1,613,344 alleles (0.000062%); highest among the groups gnomAD compares: Non-Finnish European, 0.000085%; no homozygotes.

Submission:

Ambry Genetics
Classification: Uncertain significance for Inborn genetic diseases. Last evaluated: 2025-01-29. Review status: criteria provided, single submitter. Criteria: Ambry Variant Classification Scheme 2023. Collection method: clinical testing. Allele origin: germline.
Comment: The p.K397N variant (also known as c.1191G>C), located in coding exon 1 of the SAMD9L gene, results from a G to C substitution at nucleotide position 1191. The lysine at codon 397 is replaced by asparagine, an amino acid with similar properties. This amino acid position is conserved. In addition, this alteration is predicted to be tolerated by in silico analysis. Based on the available evidence, the clinical significance of this variant remains unclear.